The following is an entry in ClinVar:

ClinVar aggregate classification (germline): Pathogenic/Likely pathogenic. Review status: criteria provided, multiple submitters, no conflicts (2 of 4 stars). 4 submissions from 4 submitters: Pathogenic (3); Likely pathogenic (1). Last evaluated 2023-06-06.

Conditions:
Hereditary cancer-predisposing syndrome. Also called: Neoplastic Syndromes, Hereditary; Tumor predisposition; Hereditary Cancer Syndrome; Hereditary neoplastic syndrome. Identifiers: Orphanet 140162, MedGen C0027672, MeSH D009386, MONDO:0015356.
Familial cancer of breast. Also called: BREAST CANCER, FAMILIAL; Hereditary breast cancer; hereditary breast carcinoma. Identifiers: Orphanet 227535, MedGen C0346153, MONDO:0016419, OMIM 114480. Disease mechanism: loss of function.

Submissions (4):

Myriad Genetics, Inc.
Classification: Pathogenic for Familial cancer of breast. Last evaluated: 2023-06-06. Review status: criteria provided, single submitter. Criteria: Myriad Autosomal Dominant, Autosomal Recessive and X-Linked Classification Criteria (2023). Collection method: clinical testing. Allele origin: unknown.
Comment: This variant is considered pathogenic. This variant creates a termination codon and is predicted to result in premature protein truncation.

Ambry Genetics
Classification: Pathogenic for Hereditary cancer-predisposing syndrome. Last evaluated: 2023-05-16. Review status: criteria provided, single submitter. Criteria: Ambry Variant Classification Scheme 2023. Collection method: clinical testing. Allele origin: germline.
Comment: The p.Y800* pathogenic mutation (also known as c.2400C>A), located in coding exon 16 of the BRIP1 gene, results from a C to A substitution at nucleotide position 2400. This changes the amino acid from a tyrosine to a stop codon within coding exon 16. A different alteration that results in a stop codon at the same amino acid position, c.2400C>G, was reported in conjunction with a second truncating mutation in a Fanconi anemia type J (FA-J) patient (Levran O et al. Nat. Genet. 2005 Sep;37:931-3). The c.2400C>G alteration has also been reported in a patient with ovarian cancer, who had a family history of breast and ovarian cancer, and in a patient with peritoneal cancer (Ramus SJ et al. J. Natl. Cancer Inst. 2015 Nov;107; Norquist BM et al. JAMA Oncol. 2016 Apr;2:482-90). In addition to the information presented in the literature, the c.2400C>A alteration is expected to result in loss of function by premature protein truncation or nonsense-mediated mRNA decay. As such, this alteration is interpreted as a disease-causing mutation.

Baylor Genetics
Classification: Likely pathogenic for Familial cancer of breast. Last evaluated: 2021-06-15. Review status: criteria provided, single submitter. Criteria: ACMG Guidelines, 2015. Collection method: clinical testing. Allele origin: unknown.

Color Diagnostics, LLC DBA Color Health
Classification: Pathogenic for Hereditary cancer-predisposing syndrome. Last evaluated: 2020-01-15. Review status: criteria provided, single submitter. Criteria: ACMG Guidelines, 2015. Collection method: clinical testing. Allele origin: germline.
Comment: This variant changes 1 nucleotide in exon 17 of the BRIP1 gene, creating a premature translation stop signal. This variant is expected to result in an absent or non-functional protein product. This variant has not been identified in the general population by the Genome Aggregation Database (gnomAD). Loss of BRIP1 function is a known mechanism of disease. Based on the available evidence, this variant is classified as Pathogenic.

Literature cited by the submitters: PubMed 28152038 (cited by Ambry Genetics).

NM_032043.3(BRIP1):c.2400C>A (p.Tyr800Ter)

Gene: BRIP1 (BRCA1 interacting DNA helicase 1; minus strand). Cytogenetic location: 17q23.2.
Variant type: single nucleotide variant.
Coding change: c.2400C>A on transcript NM_032043.3 (MANE Select); coding-DNA position 2400, C replaced by A.
Protein change: p.Tyr800Ter; replaces tyrosine 800 with a stop codon.
Molecular consequence: nonsense.
Genome position (GRCh38, 1-based): chr17:61,716,043, G>T on the plus strand (C>A on the coding strand, the complement: BRIP1 is on the minus strand). VCF-style: chr17-61716043-G-T. GRCh37 (hg19) VCF-style: chr17-59793404-G-T.
Other names: short protein forms Y800*.
Identifiers: ClinVar variation 921186 (VCV000921186.8), dbSNP rs574552037, ClinGen allele CA400479785.
Genomic context (GRCh38, chr17:61,716,043, plus strand): 5'-TTGAATTTCATACCACTGACGGCCAGGTAGAAGACCTCTCAATTTTGAATGGTGGTCATT[G>T]TATTGTCGTTTTAGTTCAACCTAATAATTTTAAAATATATTTAAAAAATTAGTAGATAAT-3'